The following is an entry in ClinVar:

ClinVar aggregate classification (germline): Uncertain significance (1 of 4 stars; one submission).

Conditions:
Cohen syndrome (COH1). Also called: PEPPER SYNDROME; Cutis verticis gyrata, retinitis pigmentosa, and sensorineural deafness. Identifiers: Orphanet 193, MedGen C0265223, MONDO:0008999, OMIM 216550.

Allele frequency attached by ClinVar (database versions not stated): gnomAD 0.00001.
gnomAD v4.1: 2 of 1,612,648 alleles (0.00012%); no homozygotes.

Submission:

Labcorp Genetics (formerly Invitae), Labcorp
Classification: Uncertain significance for Cohen syndrome. Last evaluated: 2019-10-04. Review status: criteria provided, single submitter. Criteria: Invitae Variant Classification Sherloc (09022015). Collection method: clinical testing. Allele origin: germline.
Comment: This variant has not been reported in the literature in individuals with VPS13B-related conditions. Algorithms developed to predict the effect of missense changes on protein structure and function are either unavailable or do not agree on the potential impact of this missense change (SIFT: "Tolerated"; PolyPhen-2: "Possibly Damaging"; Align-GVGD: "Class C0"). In summary, the available evidence is currently insufficient to determine the role of this variant in disease. Therefore, it has been classified as a Variant of Uncertain Significance. This sequence change replaces arginine with lysine at codon 1555 of the VPS13B protein (p.Arg1555Lys). The arginine residue is moderately conserved and there is a small physicochemical difference between arginine and lysine. This variant is not present in population databases (ExAC no frequency).

NM_152564.5(VPS13B):c.4589G>A (p.Arg1530Lys)

Gene: VPS13B (vacuolar protein sorting 13 homolog B; plus strand). Cytogenetic location: 8q22.2.
Variant type: single nucleotide variant.
Coding change: c.4589G>A on transcript NM_152564.5 (MANE Select); coding-DNA position 4589, G replaced by A.
Protein change: p.Arg1530Lys; replaces arginine 1530 with lysine.
Molecular consequence: missense variant.
Genome position (GRCh38, 1-based): chr8:99,511,468, G>A. VCF-style: chr8-99511468-G-A. GRCh37 (hg19) VCF-style: chr8-100523696-G-A.
Other names: c.4664G>A, p.Arg1555Lys (NM_017890.5); short protein forms R1555K, R1530K.
Identifiers: ClinVar variation 936536 (VCV000936536.8), dbSNP rs1234827991, ClinGen allele CA371871959.